The following is an entry in ClinVar:

ClinVar aggregate classification (germline): Uncertain significance (1 of 4 stars; one submission).

Conditions:
CACNA1B-related disorder. Also called: CACNA1B-related condition.

Allele frequency attached by ClinVar (database versions not stated): ExAC 0.00001; gnomAD 0.00001; gnomAD exomes 0.00001; TOPMed 0.00001.
gnomAD v4.1: 10 of 1,613,130 alleles (0.00062%); highest among the groups gnomAD compares: Middle Eastern, 0.016%; no homozygotes.

Submission:

PreventionGenetics, part of Exact Sciences
Classification: Uncertain significance for CACNA1B-related condition. Last evaluated: 2023-03-24. Review status: criteria provided, single submitter. Criteria: ACMG Guidelines, 2015. Collection method: clinical testing. Allele origin: germline.
Comment: The CACNA1B c.6827A>G variant is predicted to result in the amino acid substitution p.Asp2276Gly. To our knowledge, this variant has not been reported in the literature. This variant is reported in 0.0027% of alleles in individuals of European (Non-Finnish) descent in gnomAD. At this time, the clinical significance of this variant is uncertain due to the absence of conclusive functional and genetic evidence.

NM_000718.4(CACNA1B):c.6827A>G (p.Asp2276Gly)

Gene: CACNA1B (calcium voltage-gated channel subunit alpha1 B; plus strand). Cytogenetic location: 9q34.3.
Variant type: single nucleotide variant.
Coding change: c.6827A>G on transcript NM_000718.4 (MANE Select); coding-DNA position 6827, A replaced by G.
Protein change: p.Asp2276Gly; replaces aspartic acid 2276 with glycine.
Molecular consequence: missense variant.
Genome position (GRCh38, 1-based): chr9:138,121,806, A>G. VCF-style: chr9-138121806-A-G. GRCh37 (hg19) VCF-style: chr9-141016258-A-G.
Other names: c.6640A>G, p.Thr2214Ala (NM_001243812.2); short protein forms D2276G, T2214A.
Identifiers: ClinVar variation 2635675 (VCV002635675.1), dbSNP rs754453337, ClinGen allele CA5377812.